The following is an entry in ClinVar:

ClinVar aggregate classification (germline): Likely benign. Review status: reviewed by expert panel (3 of 4 stars). 2 submissions from 2 submitters: Likely benign (1). 1 of the submissions does not count toward it. Last evaluated 2024-11-04.

Conditions:
Hereditary thrombocytopenia and hematologic cancer predisposition syndrome. Identifiers: Orphanet 71290, MedGen CN281654, MONDO:0011071.
Hereditary thrombocytopenia and hematological cancer predisposition syndrome associated with RUNX1. Also called: RUNX1 Familial Platelet Disorder with Associated Myeloid Malignancies; Familial Platelet Disorder with Propensity to Acute Myelogenous Leukemia; Familial thrombocytopenia with propensity to acute myelogenous leukemia; PLATELET DISORDER, ASPIRIN-LIKE. Identifiers: Orphanet 71290, MedGen C1832388, MeSH C563324, MONDO:0100083, OMIM 601399.

Allele frequency attached by ClinVar (database versions not stated): gnomAD 0.00001.
gnomAD v4.1: 2 of 1,577,454 alleles (0.00013%); highest among the groups gnomAD compares: African/African-American, 0.0014%; no homozygotes.

Submissions (2):

ClinGen Myeloid Malignancy Variant Curation Expert Panel
Classification: Likely benign for Hereditary thrombocytopenia and hematologic cancer predisposition syndrome. Last evaluated: 2024-11-04. Review status: reviewed by expert panel. Criteria: ClinGen MyeloMalig ACMG Specifications v2. Collection method: curation. Allele origin: germline. Inheritance: Autosomal dominant inheritance.
Comment: NM_001754.5(RUNX1):c.614-11C>G is an intronic variant which has a SpliceAI score ≤ 0.20 (0.02) (BP4). This variant has a SpliceAI score ≤ 0.20 (0.02) and evolutionary conservation prediction algorithms predict the site as not being conserved (PhyloP score ≤ 2.0 (1.27) (BP7). In summary, this variant meets criteria to be classified as likely benign. ACMG/AMP criteria applied, as specified by the Myeloid Malignancy Variant Curation Expert Panel for RUNX1: BP4, BP7.

Labcorp Genetics (formerly Invitae), Labcorp
Classification: Likely benign for Hereditary thrombocytopenia and hematological cancer predisposition syndrome associated with RUNX1. Last evaluated: 2022-10-01. Review status: criteria provided, single submitter. Criteria: Invitae Variant Classification Sherloc (09022015). Collection method: clinical testing. Allele origin: germline. Not counted in ClinVar's aggregate classification.

NM_001754.5(RUNX1):c.614-11C>G

Gene: RUNX1 (RUNX family transcription factor 1; minus strand). Cytogenetic location: 21q22.12.
Variant type: single nucleotide variant.
Coding change: c.614-11C>G on transcript NM_001754.5 (MANE Select); 11 bases into the intron before coding-DNA position 614, C replaced by G.
Molecular consequence: intron variant.
Genome position (GRCh38, 1-based): chr21:34,834,612, G>C on the plus strand (C>G on the coding strand, the complement: RUNX1 is on the minus strand). VCF-style: chr21-34834612-G-C. GRCh37 (hg19) VCF-style: chr21-36206909-G-C.
Other names: c.533-11C>G (NM_001001890.3, NM_001122607.2).
Identifiers: ClinVar variation 2161921 (VCV002161921.5), dbSNP rs766432660, ClinGen allele CA1022028196.